The following is an entry in ClinVar:

NM_001267550.2(TTN):c.107377+216C>T

Genes: TTN (titin; minus strand), TTN-AS1 (TTN antisense RNA 1; plus strand). Cytogenetic location: 2q31.2.
Variant type: single nucleotide variant.
Coding change: c.107377+216C>T on transcript NM_001267550.2 (MANE Select); 216 bases into the intron after coding-DNA position 107377, C replaced by T.
Molecular consequence: intron variant.
Genome position (GRCh38, 1-based): chr2:178,528,058, G>A on the plus strand (C>T on the coding strand, the complement: TTN is on the minus strand). VCF-style: chr2-178528058-G-A. GRCh37 (hg19) VCF-style: chr2-179392785-G-A.
Other names: c.80182+216C>T (NM_003319.4); c.80758+216C>T (NM_133437.4); c.80557+216C>T (NM_133432.3); c.99673+216C>T (NM_133378.4); c.102454+216C>T (NM_001256850.1).
Identifiers: ClinVar variation 675456 (VCV000675456.2), dbSNP rs10515939, ClinGen allele CA60949548.
Genomic context (GRCh38, chr2:178,528,058, plus strand): 5'-AATGATTAGTCATATAGAAAGTAATTGACATATTGTGCATCCTGCAAATAAATGTTACAC[G>A]GCAGTTGGTAGCTTTACTTTGAAATGTAATCTATCCAAGTTTCTGTGTAGCTATAAAGAA-3'

ClinVar aggregate classification (germline): Benign. Review status: criteria provided, multiple submitters, no conflicts (2 of 4 stars). 2 submissions from 2 submitters: Benign (2). Last evaluated 2018-06-14.

Allele frequency attached by ClinVar (database versions not stated): gnomAD exomes 0.03517; gnomAD 0.04081 and 0.04253; TOPMed 0.04684; 1000 Genomes Project 30x 0.07792; 1000 Genomes Project 0.07967.
gnomAD v4.1: 21,286 of 569,838 alleles (3.7%); highest among the groups gnomAD compares: East Asian, 18%; 870 homozygotes.

Submissions (2):

GeneDx
Classification: Benign. Last evaluated: 2018-06-14. Review status: criteria provided, single submitter. Criteria: GeneDx Variant Classification (06012015). Collection method: clinical testing. Allele origin: germline. Affected: yes.
Comment: This variant is considered likely benign or benign based on one or more of the following criteria: it is a conservative change, it occurs at a poorly conserved position in the protein, it is predicted to be benign by multiple in silico algorithms, and/or has population frequency not consistent with disease.

Breakthrough Genomics
Classification: Benign. Review status: criteria provided, single submitter. Criteria: ACMG Guidelines, 2015. Collection method: not provided. Allele origin: germline. Inheritance: Autosomal recessive inheritance. Affected: yes.